The following is an entry in ClinVar:

ClinVar aggregate classification (germline): Uncertain significance (1 of 4 stars; one submission).

Conditions:
Generalized epilepsy with febrile seizures plus, type 7 (GEFSP7). Also called: GEFS+, TYPE 7. Identifiers: Orphanet 36387, MedGen C2751778, MONDO:0013470, OMIM 613863.
Neuropathy, hereditary sensory and autonomic, type 2A (HSAN2A). Also called: MORVAN DISEASE; NEUROPATHY, CONGENITAL SENSORY; NEUROPATHY, HEREDITARY SENSORY RADICULAR, AUTOSOMAL RECESSIVE; NEUROPATHY, HEREDITARY SENSORY, TYPE IIA; NEUROPATHY, PROGRESSIVE SENSORY, OF CHILDREN; ACROOSTEOLYSIS, GIACCAI TYPE. Identifiers: Orphanet 970, MedGen C2752089, MONDO:0024309, OMIM 201300.

Allele frequency attached by ClinVar (database versions not stated): gnomAD exomes below 0.00001; gnomAD 0.00001; TOPMed 0.00001.
gnomAD v4.1: 4 of 1,613,928 alleles (0.00025%); highest among the groups gnomAD compares: Admixed American, 0.0067%; no homozygotes.

Submission:

Labcorp Genetics (formerly Invitae), Labcorp
Classification: Uncertain significance for Neuropathy, hereditary sensory and autonomic, type 2A; Generalized epilepsy with febrile seizures plus, type 7. Last evaluated: 2025-07-09. Review status: criteria provided, single submitter. Criteria: Invitae Variant Classification Sherloc (09022015). Collection method: clinical testing. Allele origin: germline.
Comment: This sequence change replaces isoleucine, which is neutral and non-polar, with phenylalanine, which is neutral and non-polar, at codon 888 of the SCN9A protein (p.Ile888Phe). This variant is present in population databases (no rsID available, gnomAD 0.009%). This variant has not been reported in the literature in individuals affected with SCN9A-related conditions. ClinVar contains an entry for this variant (Variation ID: 1980417). Invitae Evidence Modeling of protein sequence and biophysical properties (such as structural, functional, and spatial information, amino acid conservation, physicochemical variation, residue mobility, and thermodynamic stability) indicates that this missense variant is not expected to disrupt SCN9A protein function with a negative predictive value of 95%. In summary, the available evidence is currently insufficient to determine the role of this variant in disease. Therefore, it has been classified as a Variant of Uncertain Significance.

NM_001365536.1(SCN9A):c.2695A>T (p.Ile899Phe)

Genes: SCN9A (sodium voltage-gated channel alpha subunit 9; minus strand), SCN1A-AS1 (SCN1A and SCN9A antisense RNA 1; plus strand). Cytogenetic location: 2q24.3.
Variant type: single nucleotide variant.
Coding change: c.2695A>T on transcript NM_001365536.1 (MANE Select); coding-DNA position 2695, A replaced by T.
Protein change: p.Ile899Phe; replaces isoleucine 899 with phenylalanine.
Molecular consequence: missense variant. On other transcripts: non-coding transcript variant (1).
Genome position (GRCh38, 1-based): chr2:166,277,162, T>A on the plus strand (A>T on the coding strand, the complement: SCN9A is on the minus strand). VCF-style: chr2-166277162-T-A. GRCh37 (hg19) VCF-style: chr2-167133672-T-A.
Other names: c.2662A>T, p.Ile888Phe (NM_002977.4); short protein forms I888F, I899F.
Identifiers: ClinVar variation 1980417 (VCV001980417.4), dbSNP rs903068590, ClinGen allele CA59794630.
Genomic context (GRCh38, chr2:166,277,162, plus strand): 5'-TCAGGAAGGAGTGGAAGAAGTCGTTCATGTGCCACCGTGGGAGCGTACAGTCATCATTGA[T>A]CTTGCAGACACATTCTTTGTAGCTCTTACCAAAGAGCTGCATGCCGACCACAGCAAAAAT-3'
Protein context (NP_001352465.1, residues 889-909): GKSYKECVCK[Ile899Phe]NDDCTLPRWH